The following is an entry in ClinVar:

NM_001042492.3(NF1):c.8039C>T (p.Pro2680Leu)

Gene: NF1 (neurofibromin 1; plus strand). Cytogenetic location: 17q11.2.
Variant type: single nucleotide variant.
Coding change: c.8039C>T on transcript NM_001042492.3 (MANE Select); coding-DNA position 8039, C replaced by T.
Protein change: p.Pro2680Leu; replaces proline 2680 with leucine.
Molecular consequence: missense variant.
Genome position (GRCh38, 1-based): chr17:31,358,548, C>T. VCF-style: chr17-31358548-C-T. GRCh37 (hg19) VCF-style: chr17-29685566-C-T.
Other names: c.7976C>T, p.Pro2659Leu (NM_000267.4); short protein forms P2659L, P2680L.
Identifiers: ClinVar variation 2418013 (VCV002418013.8), dbSNP rs2151584968, ClinGen allele CA399203738.
Genomic context (GRCh38, chr17:31,358,548, plus strand): 5'-TGTTGGACTCTAAGATCAACACCCTGTTATCATTGTGCCAAGATCCAAATTTGTTAAATC[C>T]AATCCATGGAATTGTGCAGAGTGTGGTGTACCATGAAGAATCCCCACCACAATACCAAAC-3'
Protein context (NP_001035957.1, residues 2670-2690): SLCQDPNLLN[Pro2680Leu]IHGIVQSVVY

ClinVar aggregate classification (germline): Uncertain significance. Review status: criteria provided, multiple submitters, no conflicts (2 of 4 stars). 3 submissions from 3 submitters: Uncertain significance (3). Last evaluated 2026-06-21.

Conditions:
Neurofibromatosis, type 1 (NF1). Also called: VON RECKLINGHAUSEN DISEASE; Peripheral type neurofibromatosis; NEUROFIBROMATOSIS, TYPE I, SOMATIC; Neurofibromatosis, type I. Identifiers: Orphanet 636, MedGen C0027831, MONDO:0018975, OMIM 162200. Disease mechanism: loss of function.
Hereditary cancer-predisposing syndrome. Also called: Hereditary Cancer Syndrome; Hereditary neoplastic syndrome; Neoplastic Syndromes, Hereditary; Tumor predisposition. Identifiers: Orphanet 140162, MedGen C0027672, MeSH D009386, MONDO:0015356.
Cardiovascular phenotype. Identifiers: MedGen CN230736.

gnomAD v4.1: 1 of 1,613,826 alleles (0.000062%); highest among the groups gnomAD compares: Non-Finnish European, 0.000085%; no homozygotes.

Submissions (3):

Ambry Genetics
Classification: Uncertain significance for Cardiovascular phenotype; Hereditary cancer-predisposing syndrome. Last evaluated: 2026-06-21. Review status: criteria provided, single submitter. Criteria: Ambry Variant Classification Scheme 2023. Collection method: clinical testing. Allele origin: germline.
Comment: The p.P2659L variant (also known as c.7976C>T), located in coding exon 54 of the NF1 gene, results from a C to T substitution at nucleotide position 7976. The proline at codon 2659 is replaced by leucine, an amino acid with similar properties. This amino acid position is conserved. In addition, the in silico prediction for this alteration is inconclusive. Based on the available evidence, the clinical significance of this variant remains unclear.

3billion
Classification: Uncertain significance for Neurofibromatosis, type 1. Last evaluated: 2024-07-24. Review status: criteria provided, single submitter. Criteria: ACMG Guidelines, 2015. Collection method: clinical testing. Allele origin: germline. Affected: yes.
Comment: The variant is observed at an extremely low frequency in the gnomAD v4.0.0 dataset (total allele frequency: <0.001%). Predicted Consequence/Location: Missense variant In silico tool predictions suggest damaging effect of the variant on gene or gene product [3Cnet: 0.76 (>=0.6, sensitivity 0.72 and precision 0.9)]. Therefore, this variant is classified as VUS according to the recommendation of ACMG/AMP guideline.

Labcorp Genetics (formerly Invitae), Labcorp
Classification: Uncertain significance for Neurofibromatosis, type 1. Last evaluated: 2022-07-22. Review status: criteria provided, single submitter. Criteria: Invitae Variant Classification Sherloc (09022015). Collection method: clinical testing. Allele origin: germline.
Comment: In summary, the available evidence is currently insufficient to determine the role of this variant in disease. Therefore, it has been classified as a Variant of Uncertain Significance. Algorithms developed to predict the effect of missense changes on protein structure and function are either unavailable or do not agree on the potential impact of this missense change (SIFT: "Tolerated"; PolyPhen-2: "Probably Damaging"; Align-GVGD: "Class C0"). This variant has not been reported in the literature in individuals affected with NF1-related conditions. This variant is not present in population databases (gnomAD no frequency). This sequence change replaces proline, which is neutral and non-polar, with leucine, which is neutral and non-polar, at codon 2659 of the NF1 protein (p.Pro2659Leu).